The following is an entry in ClinVar:

ClinVar aggregate classification (germline): Uncertain significance (1 of 4 stars; one submission).

Allele frequency attached by ClinVar (database versions not stated): gnomAD exomes below 0.00001; TOPMed below 0.00001.
gnomAD v4.1: 6 of 1,614,090 alleles (0.00037%); highest among the groups gnomAD compares: Non-Finnish European, 0.00051%; no homozygotes.

Submission:

Labcorp Genetics (formerly Invitae), Labcorp
Classification: Uncertain significance. Last evaluated: 2022-06-27. Review status: criteria provided, single submitter. Criteria: Invitae Variant Classification Sherloc (09022015). Collection method: clinical testing. Allele origin: germline.
Comment: This sequence change replaces glutamic acid, which is acidic and polar, with glycine, which is neutral and non-polar, at codon 164 of the PNPT1 protein (p.Glu164Gly). This variant is not present in population databases (gnomAD no frequency). This variant has not been reported in the literature in individuals affected with PNPT1-related conditions. Advanced modeling of protein sequence and biophysical properties (such as structural, functional, and spatial information, amino acid conservation, physicochemical variation, residue mobility, and thermodynamic stability) performed at Invitae indicates that this missense variant is not expected to disrupt PNPT1 protein function. In summary, the available evidence is currently insufficient to determine the role of this variant in disease. Therefore, it has been classified as a Variant of Uncertain Significance.

NM_033109.5(PNPT1):c.491A>G (p.Glu164Gly)

Gene: PNPT1 (polyribonucleotide nucleotidyltransferase 1; minus strand). Cytogenetic location: 2p16.1.
Variant type: single nucleotide variant.
Coding change: c.491A>G on transcript NM_033109.5 (MANE Select); coding-DNA position 491, A replaced by G.
Protein change: p.Glu164Gly; replaces glutamic acid 164 with glycine.
Molecular consequence: missense variant.
Genome position (GRCh38, 1-based): chr2:55,680,881, T>C on the plus strand (A>G on the coding strand, the complement: PNPT1 is on the minus strand). VCF-style: chr2-55680881-T-C. GRCh37 (hg19) VCF-style: chr2-55908016-T-C.
Other names: short protein forms E164G.
Identifiers: ClinVar variation 1381198 (VCV001381198.8), dbSNP rs1697226598, ClinGen allele CA346938897.